The following is an entry in ClinVar:

ClinVar aggregate classification (germline): Uncertain significance (1 of 4 stars; one submission).

Conditions:
Neuropathy, hereditary sensory and autonomic, type 2A (HSAN2A). Also called: HSAN IIA; WNK1-Related HSAN2 (HSAN2A); ACROOSTEOLYSIS, GIACCAI TYPE; ACROOSTEOLYSIS, NEUROGENIC; MORVAN DISEASE; NEUROPATHY, CONGENITAL SENSORY. Identifiers: Orphanet 970, MedGen C2752089, MONDO:0024309, OMIM 201300.
Pseudohypoaldosteronism type 2C (PHA2C). Also called: Pseudohypoaldosteronism Type IIC. Identifiers: Orphanet 757, Orphanet 88940, MedGen C1840391, MONDO:0013778, OMIM 614492.

gnomAD v4.1: 20 of 1,611,590 alleles (0.0012%); highest among the groups gnomAD compares: Middle Eastern, 0.033%; no homozygotes.

Submission:

Labcorp Genetics (formerly Invitae), Labcorp
Classification: Uncertain significance for Neuropathy, hereditary sensory and autonomic, type 2A; Pseudohypoaldosteronism type 2C. Last evaluated: 2025-06-04. Review status: criteria provided, single submitter. Criteria: Invitae Variant Classification Sherloc (09022015). Collection method: clinical testing. Allele origin: germline.
Comment: This sequence change replaces proline, which is neutral and non-polar, with arginine, which is basic and polar, at codon 2282 of the WNK1 protein (p.Pro2282Arg). This variant is present in population databases (rs777398216, gnomAD 0.02%). This variant has not been reported in the literature in individuals affected with WNK1-related conditions. ClinVar contains an entry for this variant (Variation ID: 3762737). Invitae Evidence Modeling of protein sequence and biophysical properties (such as structural, functional, and spatial information, amino acid conservation, physicochemical variation, residue mobility, and thermodynamic stability) indicates that this missense variant is not expected to disrupt WNK1 protein function with a negative predictive value of 95%. In summary, the available evidence is currently insufficient to determine the role of this variant in disease. Therefore, it has been classified as a Variant of Uncertain Significance.

NM_018979.4(WNK1):c.6089C>G (p.Pro2030Arg)

Gene: WNK1 (WNK lysine deficient protein kinase 1; plus strand). Cytogenetic location: 12p13.33.
Variant type: single nucleotide variant.
Coding change: c.6089C>G on transcript NM_018979.4 (MANE Select); coding-DNA position 6089, C replaced by G.
Protein change: p.Pro2030Arg; replaces proline 2030 with arginine.
Molecular consequence: missense variant.
Genome position (GRCh38, 1-based): chr12:896,576, C>G. VCF-style: chr12-896576-C-G. GRCh37 (hg19) VCF-style: chr12-1005742-C-G.
Other names: c.6869C>G, p.Pro2290Arg (NM_001184985.2); c.5345C>G, p.Pro1782Arg (NM_014823.3); c.6845C>G, p.Pro2282Arg (NM_213655.5); short protein forms P1782R, P2030R, P2282R, P2290R.
Identifiers: ClinVar variation 3762737 (VCV003762737.2).
Genomic context (GRCh38, chr12:896,576, plus strand): 5'-CGTCTTCTGACCCGGAGGCCGCTTTTTTAAGTAGGGATGTGGATGATGGTTCCGGTAGTC[C>G]ACACTCGCCCCATCAGCTGAGCTCAAAGAGCCTTCCTAGCCAGAATCTAAGTCAAAGCCT-3'
Protein context (NP_061852.3, residues 2020-2040): SRDVDDGSGS[Pro2030Arg]HSPHQLSSKS